The following is an entry in ClinVar:

NM_001649.4(SHROOM2):c.1549C>T (p.Arg517Cys)

Gene: SHROOM2 (shroom family member 2; plus strand). Cytogenetic location: Xp22.2.
Variant type: single nucleotide variant.
Coding change: c.1549C>T on transcript NM_001649.4 (MANE Select); coding-DNA position 1549, C replaced by T.
Protein change: p.Arg517Cys; replaces arginine 517 with cysteine.
Molecular consequence: missense variant.
Genome position (GRCh38, 1-based): chrX:9,895,457, C>T. VCF-style: chrX-9895457-C-T. GRCh37 (hg19) VCF-style: chrX-9863497-C-T.
Other names: short protein forms R517C.
Identifiers: ClinVar variation 3040315 (VCV003040315.2), dbSNP rs149459016, ClinGen allele CA10345413.
Genomic context (GRCh38, chrX:9,895,457, plus strand): 5'-TCTGACACAGCCCTTGGAGCCCTCGAGAGTCTTCCCCCACCCACGGTGGGCCAGAGCCCA[C>T]GCCATCACCTACCTCAGCCTGAGGGTCCTCCGGATGCCCGCGAGACAGGACGGTGTTACC-3'
Protein context (NP_001640.1, residues 507-527): LPPPTVGQSP[Arg517Cys]HHLPQPEGPP

ClinVar aggregate classification (germline): Benign (0 of 4 stars; one submission).

Conditions:
SHROOM2-related disorder. Also called: SHROOM2-related condition.

Allele frequency attached by ClinVar (database versions not stated): gnomAD exomes 0.00018; ExAC 0.00068; ESP Exome Variant Server 0.00076; gnomAD 0.00130; TOPMed 0.00147; 1000 Genomes Project 0.00185; 1000 Genomes Project 30x 0.00208.
gnomAD v4.1: 352 of 1,208,115 alleles (0.029%); highest among the groups gnomAD compares: African/African-American, 0.47%; 1 homozygote.

Submission:

PreventionGenetics, part of Exact Sciences
Classification: Benign for SHROOM2-related condition. Last evaluated: 2019-09-17. Review status: no assertion criteria provided. Collection method: clinical testing. Allele origin: germline.
Comment: This variant is classified as benign based on ACMG/AMP sequence variant interpretation guidelines (Richards et al. 2015 PMID: 25741868, with internal and published modifications).